The following is an entry in ClinVar:

ClinVar aggregate classification (germline): Uncertain significance (1 of 4 stars; one submission).

Conditions:
Dyskeratosis congenita, autosomal recessive 5 (DKCB5). Identifiers: MedGen C3554656, MONDO:0014076, OMIM 615190.
Pulmonary fibrosis and/or bone marrow failure, Telomere-related, 3. Also called: PULMONARY FIBROSIS AND/OR BONE MARROW FAILURE SYNDROME, TELOMERE-RELATED, 3. Identifiers: Orphanet 2032, MedGen C4225346, MONDO:0014613, OMIM 616373.

Submission:

Labcorp Genetics (formerly Invitae), Labcorp
Classification: Uncertain significance for Dyskeratosis congenita, autosomal recessive 5; Pulmonary fibrosis and/or bone marrow failure, Telomere-related, 3. Last evaluated: 2021-08-15. Review status: criteria provided, single submitter. Criteria: Invitae Variant Classification Sherloc (09022015). Collection method: clinical testing. Allele origin: germline.
Comment: This variant is not present in population databases (ExAC no frequency). This variant has not been reported in the literature in individuals affected with RTEL1-related conditions. Variants that disrupt the consensus splice site are a relatively common cause of aberrant splicing (PMID: 17576681, 9536098). Algorithms developed to predict the effect of sequence changes on RNA splicing suggest that this variant is not likely to affect RNA splicing. In summary, the available evidence is currently insufficient to determine the role of this variant in disease. Therefore, it has been classified as a Variant of Uncertain Significance. This sequence change falls in intron 14 of the RTEL1 gene. It does not directly change the encoded amino acid sequence of the RTEL1 protein. It affects a nucleotide within the consensus splice site of the intron.

Literature cited by the submitters: PubMed 17576681; PubMed 9536098.

NM_001283009.2(RTEL1):c.1192-3C>T

Genes: RTEL1 (regulator of telomere elongation helicase 1; plus strand), RTEL1-TNFRSF6B (RTEL1-TNFRSF6B readthrough (NMD candidate); plus strand). Cytogenetic location: 20q13.33.
Variant type: single nucleotide variant.
Coding change: c.1192-3C>T on transcript NM_001283009.2 (MANE Select); 3 bases into the intron before coding-DNA position 1192, C replaced by T.
Molecular consequence: intron variant.
Genome position (GRCh38, 1-based): chr20:63,685,520, C>T. VCF-style: chr20-63685520-C-T. GRCh37 (hg19) VCF-style: chr20-62316873-C-T.
Other names: c.523-3C>T (NM_001283010.1); c.1264-3C>T (NM_032957.5); c.1192-3C>T (NM_016434.4).
Identifiers: ClinVar variation 1360154 (VCV001360154.6), dbSNP rs2145411176, ClinGen allele CA2573157209.